The following is an entry in ClinVar:

NM_001130009.3(GEN1):c.1760C>G (p.Thr587Ser)

Gene: GEN1 (GEN1 structure-specific endonuclease; plus strand). Cytogenetic location: 2p24.2.
Variant type: single nucleotide variant.
Coding change: c.1760C>G on transcript NM_001130009.3 (MANE Select); coding-DNA position 1760, C replaced by G.
Protein change: p.Thr587Ser; replaces threonine 587 with serine.
Molecular consequence: missense variant.
Genome position (GRCh38, 1-based): chr2:17,780,972, C>G. VCF-style: chr2-17780972-C-G. GRCh37 (hg19) VCF-style: chr2-17962239-C-G.
Other names: c.1760C>G, p.Thr587Ser (NM_182625.5); c.1760C>G (NM_001130009.1); short protein forms T587S.
Identifiers: ClinVar variation 2185485 (VCV002185485.6), dbSNP rs112224689, ClinGen allele CA345926564.

ClinVar aggregate classification (germline): Uncertain significance. Review status: criteria provided, multiple submitters, no conflicts (2 of 4 stars). 2 submissions from 2 submitters: Uncertain significance (2). Last evaluated 2025-09-28.

Submissions (2):

Ambry Genetics
Classification: Uncertain significance. Last evaluated: 2025-09-28. Review status: criteria provided, single submitter. Criteria: Ambry Variant Classification Scheme 2023. Collection method: clinical testing. Allele origin: germline.

Labcorp Genetics (formerly Invitae), Labcorp
Classification: Uncertain significance. Last evaluated: 2022-04-25. Review status: criteria provided, single submitter. Criteria: Invitae Variant Classification Sherloc (09022015). Collection method: clinical testing. Allele origin: germline.
Comment: This sequence change replaces threonine, which is neutral and polar, with serine, which is neutral and polar, at codon 587 of the GEN1 protein (p.Thr587Ser). In summary, the available evidence is currently insufficient to determine the role of this variant in disease. Therefore, it has been classified as a Variant of Uncertain Significance. This variant is not present in population databases (gnomAD no frequency). Algorithms developed to predict the effect of missense changes on protein structure and function output the following: SIFT: "Tolerated"; PolyPhen-2: "Benign"; Align-GVGD: "Class C0". The serine amino acid residue is found in multiple mammalian species, which suggests that this missense change does not adversely affect protein function. This variant has not been reported in the literature in individuals affected with GEN1-related conditions.